The following is an entry in ClinVar:

NM_000321.3(RB1):c.1287A>C (p.Lys429Asn)

Gene: RB1 (RB transcriptional corepressor 1; plus strand). Cytogenetic location: 13q14.2.
Variant type: single nucleotide variant.
Coding change: c.1287A>C on transcript NM_000321.3 (MANE Select); coding-DNA position 1287, A replaced by C.
Protein change: p.Lys429Asn; replaces lysine 429 with asparagine.
Molecular consequence: missense variant.
Genome position (GRCh38, 1-based): chr13:48,376,989, A>C. VCF-style: chr13-48376989-A-C. GRCh37 (hg19) VCF-style: chr13-48951125-A-C.
Other names: c.1287A>C, p.Lys429Asn (NM_001407165.1, NM_001407166.1); short protein forms K429N.
Identifiers: ClinVar variation 1721627 (VCV001721627.5), dbSNP rs2138136535, ClinGen allele CA388162096.

ClinVar aggregate classification (germline): Uncertain significance (1 of 4 stars; one submission).

Conditions:
Retinoblastoma (RB1). Also called: RETINOBLASTOMA, SOMATIC. Identifiers: Orphanet 790, MedGen C0035335, MeSH D012175, MONDO:0008380, OMIM 180200, HP:0009919. Disease mechanism: loss of function. Inheritance: Both sporadic and heritable forms are tested..

Submission:

Labcorp Genetics (formerly Invitae), Labcorp
Classification: Uncertain significance for Retinoblastoma. Last evaluated: 2022-07-14. Review status: criteria provided, single submitter. Criteria: Invitae Variant Classification Sherloc (09022015). Collection method: clinical testing. Allele origin: germline.
Comment: In summary, the available evidence is currently insufficient to determine the role of this variant in disease. Therefore, it has been classified as a Variant of Uncertain Significance. Algorithms developed to predict the effect of missense changes on protein structure and function are either unavailable or do not agree on the potential impact of this missense change (SIFT: "Deleterious"; PolyPhen-2: "Benign"; Align-GVGD: "Class C35"). This variant has not been reported in the literature in individuals affected with RB1-related conditions. This variant is not present in population databases (gnomAD no frequency). This sequence change replaces lysine, which is basic and polar, with asparagine, which is neutral and polar, at codon 429 of the RB1 protein (p.Lys429Asn).